The following is an entry in ClinVar:

NM_006493.4(CLN5):c.490G>T (p.Ala164Ser)

Gene: CLN5 (CLN5 lysosomal BMP synthase; plus strand). Cytogenetic location: 13q22.3.
Variant type: single nucleotide variant.
Coding change: c.490G>T on transcript NM_006493.4 (MANE Select); coding-DNA position 490, G replaced by T.
Protein change: p.Ala164Ser; replaces alanine 164 with serine.
Molecular consequence: missense variant.
Genome position (GRCh38, 1-based): chr13:76,996,052, G>T. VCF-style: chr13-76996052-G-T. GRCh37 (hg19) VCF-style: chr13-77570187-G-T.
Other names: c.637G>T (LRG_692t1); c.490G>T, p.Ala164Ser (NM_001366624.2); short protein forms A164S.
Identifiers: ClinVar variation 566238 (VCV000566238.7), dbSNP rs748549252, ClinGen allele CA7007209.

ClinVar aggregate classification (germline): Uncertain significance. Review status: criteria provided, multiple submitters, no conflicts (2 of 4 stars). 3 submissions from 3 submitters: Uncertain significance (2). 1 of the submissions does not count toward it. Last evaluated 2022-06-04.

Conditions:
Neuronal ceroid lipofuscinosis. Also called: Neuronal Ceroid Lipofuscinoses. Identifiers: Orphanet 216, Orphanet 79263, MedGen C0027877, MONDO:0016295. Disease mechanism: loss of function.
Neuronal ceroid lipofuscinosis 5 (CLN5). Also called: CEROID LIPOFUSCINOSIS, NEURONAL, 5, VARIABLE AGE AT ONSET; NEURONAL CEROID LIPOFUSCINOSIS, LATE INFANTILE, FINNISH VARIANT; CLN5-Related Neuronal Ceroid-Lipofuscinosis; Neuronal ceroid lipofuscinosis Finnish variant. Identifiers: Orphanet 168491, Orphanet 228360, MedGen C1850442, MONDO:0009745, OMIM 256731.

Allele frequency attached by ClinVar (database versions not stated): ExAC 0.00001; gnomAD 0.00001; gnomAD exomes 0.00002; TOPMed 0.00002.

Submissions (3):

Labcorp Genetics (formerly Invitae), Labcorp
Classification: Uncertain significance for Neuronal ceroid lipofuscinosis. Last evaluated: 2022-06-04. Review status: criteria provided, single submitter. Criteria: Invitae Variant Classification Sherloc (09022015). Collection method: clinical testing. Allele origin: germline.
Comment: This sequence change replaces alanine, which is neutral and non-polar, with serine, which is neutral and polar, at codon 213 of the CLN5 protein (p.Ala213Ser). This variant is present in population databases (rs748549252, gnomAD 0.01%). This variant has not been reported in the literature in individuals affected with CLN5-related conditions. ClinVar contains an entry for this variant (Variation ID: 566238). Algorithms developed to predict the effect of missense changes on protein structure and function (SIFT, PolyPhen-2, Align-GVGD) all suggest that this variant is likely to be disruptive. In summary, the available evidence is currently insufficient to determine the role of this variant in disease. Therefore, it has been classified as a Variant of Uncertain Significance.

Revvity Omics, Revvity
Classification: Uncertain significance for Neuronal ceroid lipofuscinosis 5. Last evaluated: 2020-06-05. Review status: criteria provided, single submitter. Criteria: ACMG Guidelines, 2015. Collection method: clinical testing. Allele origin: germline.

Natera, Inc.
Classification: Uncertain significance for Neuronal ceroid lipofuscinosis 5. Last evaluated: 2020-09-16. Review status: no assertion criteria provided. Collection method: clinical testing. Allele origin: germline. Not counted in ClinVar's aggregate classification.